The following is an entry in ClinVar:

ClinVar aggregate classification (germline): Benign/Likely benign. Review status: criteria provided, multiple submitters, no conflicts (2 of 4 stars). 5 submissions from 5 submitters: Benign (1); Likely benign (4). Last evaluated 2025-11-01.

Conditions:
Hereditary cancer-predisposing syndrome. Also called: Hereditary Cancer Syndrome; Hereditary neoplastic syndrome; Neoplastic Syndromes, Hereditary; Tumor predisposition. Identifiers: Orphanet 140162, MedGen C0027672, MeSH D009386, MONDO:0015356.
Familial adenomatous polyposis 1 (FAP1). Also called: FAMILIAL ADENOMATOUS POLYPOSIS 1, ATTENUATED; POLYPOSIS, ADENOMATOUS INTESTINAL. Identifiers: MedGen C2713442, MONDO:0021056, OMIM 175100. Disease mechanism: loss of function.

gnomAD v4.1: 2 of 1,613,926 alleles (0.00012%); highest among the groups gnomAD compares: Non-Finnish European, 0.00017%; no homozygotes.

Submissions (5):

Labcorp Genetics (formerly Invitae), Labcorp
Classification: Likely benign for Familial adenomatous polyposis 1. Last evaluated: 2025-11-01. Review status: criteria provided, single submitter. Criteria: Invitae Variant Classification Sherloc (09022015). Collection method: clinical testing. Allele origin: germline.

Myriad Genetics, Inc.
Classification: Benign for Familial adenomatous polyposis 1. Last evaluated: 2024-04-05. Review status: criteria provided, single submitter. Criteria: Myriad Autosomal Dominant, Autosomal Recessive and X-Linked Classification Criteria (2023). Collection method: clinical testing. Allele origin: unknown.
Comment: This variant is considered benign. This variant is a silent/synonymous amino acid change and it is not expected to impact splicing.

Color Diagnostics, LLC DBA Color Health
Classification: Likely benign for Hereditary cancer-predisposing syndrome. Last evaluated: 2021-09-17. Review status: criteria provided, single submitter. Criteria: ACMG Guidelines, 2015. Collection method: clinical testing. Allele origin: germline.

Ambry Genetics
Classification: Likely benign for Hereditary cancer-predisposing syndrome. Last evaluated: 2017-04-14. Review status: criteria provided, single submitter. Criteria: Ambry Variant Classification Scheme 2023. Collection method: clinical testing. Allele origin: germline.

GeneDx
Classification: Likely benign. Last evaluated: 2016-02-19. Review status: criteria provided, single submitter. Criteria: GeneDx Variant Classification (06012015). Collection method: clinical testing. Allele origin: germline. Affected: yes.
Comment: This variant is considered likely benign or benign based on one or more of the following criteria: it is a conservative change, it occurs at a poorly conserved position in the protein, it is predicted to be benign by multiple in silico algorithms, and/or has population frequency not consistent with disease.

NM_000038.6(APC):c.6699T>C (p.Ile2233=)

Gene: APC (APC regulator of Wnt signaling pathway; plus strand). Cytogenetic location: 5q22.2.
Variant type: single nucleotide variant.
Coding change: c.6699T>C on transcript NM_000038.6 (MANE Select); coding-DNA position 6699, T replaced by C.
Protein change: p.Ile2233=; no amino-acid change (isoleucine 2233 retained).
Molecular consequence: synonymous variant.
Genome position (GRCh38, 1-based): chr5:112,842,293, T>C. VCF-style: chr5-112842293-T-C. GRCh37 (hg19) VCF-style: chr5-112177990-T-C.
Other names: c.6699T>C, p.Ile2233= (NM_001127510.3, NM_001354895.2); c.6645T>C, p.Ile2215= (NM_001127511.3); c.6753T>C, p.Ile2251= (NM_001354896.2); c.6729T>C, p.Ile2243= (NM_001354897.2); c.6624T>C, p.Ile2208= (NM_001354898.2); c.6615T>C, p.Ile2205= (NM_001354899.2); c.6576T>C, p.Ile2192= (NM_001354900.2); c.6522T>C, p.Ile2174= (NM_001354901.2); and 5 more.
Identifiers: ClinVar variation 384060 (VCV000384060.18), dbSNP rs1057521840, ClinGen allele CA16605182.
Genomic context (GRCh38, chr5:112,842,293, plus strand): 5'-GAAACAGCCCCTTCAAGCAAACATGCCTTCAATCTCTCGAGGCAGGACAATGATTCATAT[T>C]CCAGGAGTTCGAAATAGCTCCTCAAGTACAAGTCCTGTTTCTAAAAAAGGCCCACCCCTT-3'
Protein context (NP_000029.2, residues 2223-2243): SISRGRTMIH[Ile2233=]PGVRNSSSST